The following is an entry in ClinVar:

ClinVar aggregate classification (germline): Uncertain significance. Review status: criteria provided, multiple submitters, no conflicts (2 of 4 stars). 3 submissions from 3 submitters: Uncertain significance (3). Last evaluated 2025-08-09.

Conditions:
Inborn genetic diseases. Identifiers: MedGen C0950123, MeSH D030342.
Congenital isolated adrenocorticotropic hormone deficiency. Also called: ACTH deficiency; Adrenocorticotropic hormone deficiency; ACTH DEFICIENCY, ISOLATED. Identifiers: Orphanet 199296, MedGen C0342388, MONDO:0008720, OMIM 201400, HP:0011748.

Allele frequency attached by ClinVar (database versions not stated): ExAC 0.00004; gnomAD 0.00004; gnomAD exomes 0.00004 and 0.00009; TOPMed 0.00004.
gnomAD v4.1: 126 of 1,614,088 alleles (0.0078%); highest among the groups gnomAD compares: Non-Finnish European, 0.011%; no homozygotes.

Submissions (3):

Ambry Genetics
Classification: Uncertain significance for Inborn genetic diseases. Last evaluated: 2025-08-09. Review status: criteria provided, single submitter. Criteria: Ambry Variant Classification Scheme 2023. Collection method: clinical testing. Allele origin: germline.

Labcorp Genetics (formerly Invitae), Labcorp
Classification: Uncertain significance. Last evaluated: 2023-10-22. Review status: criteria provided, single submitter. Criteria: Invitae Variant Classification Sherloc (09022015). Collection method: clinical testing. Allele origin: germline.
Comment: This sequence change replaces valine, which is neutral and non-polar, with isoleucine, which is neutral and non-polar, at codon 104 of the TBX19 protein (p.Val104Ile). This variant is present in population databases (rs762183325, gnomAD 0.008%). This variant has not been reported in the literature in individuals affected with TBX19-related conditions. ClinVar contains an entry for this variant (Variation ID: 876840). An algorithm developed to predict the effect of missense changes on protein structure and function (PolyPhen-2) suggests that this variant is likely to be tolerated. In summary, the available evidence is currently insufficient to determine the role of this variant in disease. Therefore, it has been classified as a Variant of Uncertain Significance.

Illumina Laboratory Services, Illumina
Classification: Uncertain significance for Congenital isolated adrenocorticotropic hormone deficiency. Last evaluated: 2018-01-13. Review status: criteria provided, single submitter. Criteria: ICSL Variant Classification Criteria 13 December 2019. Collection method: clinical testing. Allele origin: germline.

NM_005149.3(TBX19):c.310G>A (p.Val104Ile)

Gene: TBX19 (T-box transcription factor 19; plus strand). Cytogenetic location: 1q24.2.
Variant type: single nucleotide variant.
Coding change: c.310G>A on transcript NM_005149.3 (MANE Select); coding-DNA position 310, G replaced by A.
Protein change: p.Val104Ile; replaces valine 104 with isoleucine.
Molecular consequence: missense variant.
Genome position (GRCh38, 1-based): chr1:168,291,266, G>A. VCF-style: chr1-168291266-G-A. GRCh37 (hg19) VCF-style: chr1-168260504-G-A.
Other names: short protein forms V104I.
Identifiers: ClinVar variation 876840 (VCV000876840.9), dbSNP rs762183325, ClinGen allele CA1230456.
Genomic context (GRCh38, chr1:168,291,266, plus strand): 5'-AATGCCATGTACTCCCTCCTGCTGGACTTTGTCCCTACGGACAGTCACCGCTGGAAGTAC[G>A]TCAACGGGGAATGGGTGCCCGCTGGCAAGCCAGAGGTCTCCAGCCACAGCTGCGTCTACA-3'
Protein context (NP_005140.1, residues 94-114): VPTDSHRWKY[Val104Ile]NGEWVPAGKP